The following is an entry in ClinVar:

NM_206933.4(USH2A):c.206G>T (p.Ser69Ile)

Gene: USH2A (usherin; minus strand). Cytogenetic location: 1q41.
Variant type: single nucleotide variant.
Coding change: c.206G>T on transcript NM_206933.4 (MANE Select); coding-DNA position 206, G replaced by T.
Protein change: p.Ser69Ile; replaces serine 69 with isoleucine.
Molecular consequence: missense variant.
Genome position (GRCh38, 1-based): chr1:216,422,131, C>A on the plus strand (G>T on the coding strand, the complement: USH2A is on the minus strand). VCF-style: chr1-216422131-C-A. GRCh37 (hg19) VCF-style: chr1-216595473-C-A.
Other names: c.206G>T, p.Ser69Ile (NM_007123.6); short protein forms S69I.
Identifiers: ClinVar variation 552638 (VCV000552638.10), dbSNP rs377254440, ClinGen allele CA1396838.
Genomic context (GRCh38, chr1:216,422,131, plus strand): 5'-GGGCAATCCTGAATACAAAACCGCTGGGTACAGAACTGAATACTTTCAGCAGCAGCAGAG[C>A]TGTGACAAAAAGTGCTTCGGTCTGGGAGTCCACATACTGCTTGGGTTGGCACGATGGAAA-3'
Protein context (NP_996816.3, residues 59-79): GLPDRSTFCH[Ser69Ile]SAAAESIQFC

ClinVar aggregate classification (germline): Uncertain significance. Review status: criteria provided, multiple submitters, no conflicts (2 of 4 stars). 8 submissions from 7 submitters: Uncertain significance (7). 1 of the submissions does not count toward it. Last evaluated 2026-03-30.

Conditions:
Retinal dystrophy. Also called: Inherited retinal dystrophy. Identifiers: Orphanet 71862, MedGen C0854723, MeSH D058499, MONDO:0019118, HP:0000556.
Usher syndrome type 2A. Also called: USHER SYNDROME, TYPE IIA; RETINAL DISEASE IN USHER SYNDROME TYPE IIA, MODIFIER OF. Identifiers: Orphanet 231178, Orphanet 886, MedGen C1848634, MONDO:0010169, OMIM 276901.
Retinitis pigmentosa 39 (RP39). Identifiers: Orphanet 791, MedGen C3151138, MONDO:0013436, OMIM 613809.
USH2A-related disorder. Also called: USH2A-related disorders; USH2A-related condition. Identifiers: MedGen CN239332.

Allele frequency attached by ClinVar (database versions not stated): gnomAD 0.00001; gnomAD exomes 0.00001 and 0.00004; TOPMed 0.00003.
gnomAD v4.1: 24 of 1,613,694 alleles (0.0015%); highest among the groups gnomAD compares: East Asian, 0.022%; no homozygotes.

Submissions (8):

Women's Health and Genetics/Laboratory Corporation of America, LabCorp
Classification: Uncertain significance. Last evaluated: 2026-03-30. Review status: criteria provided, single submitter. Criteria: LabCorp Variant Classification Summary - May 2015. Collection method: clinical testing. Allele origin: germline.
Comment: Variant summary: USH2A c.206G>T (p.Ser69Ile) results in a non-conservative amino acid change in the encoded protein sequence. Algorithms developed to predict the effect of missense changes on protein structure and function are either unavailable or do not agree on the potential impact of this missense change. The variant allele was found at a frequency of 4.4e-05 in 250974 control chromosomes. This frequency is not significantly higher than estimated for disease-causing variants in USH2A, allowing no conclusion about variant significance. c.206G>T has been reported in the literature as compound heterozygous genotype in individuals affected with Usher Syndrome (Zhu_2021, Sun_2018), in individuals affected with hearing loss (Miyagawa_2013, Ma_2022), and in patients with retinitis pigmentosa (RP) (Ng_2019, Koyanagi_2019). However, in one patient with RP, a co-occurrence with a likely pathogenic variant has been reported (c.2613dupA (p.Arg872fs); Koyanagi_2019), which could explain the phenotype. These data indicate that the variant may be associated with disease. To our knowledge, no experimental evidence demonstrating an impact on protein function has been reported. The following publications have been ascertained in the context of this evaluation (PMID: 23967202, 26338283, 31213501, 36597107, 30948794, 29625443, 32675063, 39443691). ClinVar contains an entry for this variant (Variation ID: 552638). Based on the evidence outlined above, the variant was classified as VUS-possibly pathogenic.

PreventionGenetics, part of Exact Sciences
Classification: Uncertain significance for USH2A-related condition. Last evaluated: 2026-01-02. Review status: criteria provided, single submitter. Criteria: ACMG Guidelines, 2015. Collection method: clinical testing. Allele origin: germline.
Comment: The USH2A c.206G>T variant is predicted to result in the amino acid substitution p.Ser69Ile. This variant was reported, along with a second known or suspected causative variant in USH2A, in three individuals with USH2A-related disorders (supplementary data, Zhu et al. 2020. PubMed ID: 32675063; supplementary data, Ma et al. 2023. PubMed ID: 36597107; supplementary data, Hao et al. 2024. PubMed ID: 39443691). This variant was reported in large cohorts of individuals with deafness, retinitis pigmentosa, or suspected Usher syndrome (supplementary data, Miyagawa et al. 2013. PubMed ID: 23967202; supplementary data, Jiang et al. 2015. PubMed ID: 26338283; supplementary data, Sun et al. 2018. PubMed ID: 29625443; supplementary data, Koyanagi et al. 2019. PubMed ID: 31213501). This variant was also identified, along with two other missense variants in USH2A, in an individual with retinitis pigmentosa (Ng et al. 2019. PubMed ID: 30948794). This variant is reported in 0.030% of alleles in individuals of East Asian descent in gnomAD. At this time, the clinical significance of this variant is uncertain due to the absence of conclusive functional and genetic evidence.

Blueprint Genetics
Classification: Uncertain significance. Last evaluated: 2024-04-23. Review status: criteria provided, single submitter. Criteria: ACMG Guidelines, 2015. Collection method: clinical testing. Allele origin: germline.

Genome-Nilou Lab
Classification: Uncertain significance for Retinitis pigmentosa 39. Last evaluated: 2023-11-04. Review status: criteria provided, single submitter. Criteria: ACMG Guidelines, 2015. Collection method: clinical testing. Allele origin: germline. Affected: no.

Genome-Nilou Lab
Classification: Uncertain significance for Usher syndrome type 2A. Last evaluated: 2023-11-04. Review status: criteria provided, single submitter. Criteria: ACMG Guidelines, 2015. Collection method: clinical testing. Allele origin: germline. Affected: no.

Dept Of Ophthalmology, Nagoya University
Classification: Uncertain significance for Retinal dystrophy. Last evaluated: 2023-10-01. Review status: criteria provided, single submitter. Criteria: Submitter's publication. Collection method: research. Allele origin: germline. Affected: yes.

Labcorp Genetics (formerly Invitae), Labcorp
Classification: Uncertain significance. Last evaluated: 2022-10-04. Review status: criteria provided, single submitter. Criteria: Invitae Variant Classification Sherloc (09022015). Collection method: clinical testing. Allele origin: germline.
Comment: This sequence change replaces serine, which is neutral and polar, with isoleucine, which is neutral and non-polar, at codon 69 of the USH2A protein (p.Ser69Ile). This variant is present in population databases (rs377254440, gnomAD 0.03%). This missense change has been observed in individual(s) with USH2A related conditions (PMID: 23967202, 26338283, 30948794, 31213501). ClinVar contains an entry for this variant (Variation ID: 552638). Advanced modeling of protein sequence and biophysical properties (such as structural, functional, and spatial information, amino acid conservation, physicochemical variation, residue mobility, and thermodynamic stability) performed at Invitae indicates that this missense variant is not expected to disrupt USH2A protein function. In summary, the available evidence is currently insufficient to determine the role of this variant in disease. Therefore, it has been classified as a Variant of Uncertain Significance.

Counsyl
Classification: Uncertain significance for Usher syndrome type 2A; Retinitis pigmentosa 39. Last evaluated: 2017-06-27. Review status: no assertion criteria provided. Collection method: clinical testing. Allele origin: unknown. Not counted in ClinVar's aggregate classification.

Literature cited by the submitters: PubMed 23967202 (cited by 3 submitters); PubMed 29625443 (cited by Women's Health and Genetics/Laboratory Corporation of America, LabCorp); PubMed 26338283 (cited by 3 submitters); PubMed 32675063 (cited by Women's Health and Genetics/Laboratory Corporation of America, LabCorp); PubMed 31213501 (cited by Women's Health and Genetics/Laboratory Corporation of America, LabCorp and Labcorp Genetics (formerly Invitae), Labcorp); PubMed 30948794 (cited by Women's Health and Genetics/Laboratory Corporation of America, LabCorp and Labcorp Genetics (formerly Invitae), Labcorp); PubMed 36597107 (cited by Women's Health and Genetics/Laboratory Corporation of America, LabCorp); PubMed 39443691 (cited by Women's Health and Genetics/Laboratory Corporation of America, LabCorp).